The following is an entry in ClinVar:

NM_000071.3(CBS):c.736+1G>A

Gene: CBS (cystathionine beta-synthase; minus strand). Cytogenetic location: 21q22.3.
Variant type: single nucleotide variant.
Coding change: c.736+1G>A on transcript NM_000071.3 (MANE Select); the canonical splice donor site of the intron after coding-DNA position 736, G replaced by A.
Molecular consequence: splice donor variant.
Genome position (GRCh38, 1-based): chr21:43,065,202, C>T on the plus strand (G>A on the coding strand, the complement: CBS is on the minus strand). VCF-style: chr21-43065202-C-T. GRCh37 (hg19) VCF-style: chr21-44485312-C-T.
Other names: c.736+1G>A (NM_001320298.2, NM_001178009.3, NM_001178008.3); c.421+1G>A (NM_001321072.1).
Identifiers: ClinVar variation 1482701 (VCV001482701.8), dbSNP rs1166621523, ClinGen allele CA410600409.
Genomic context (GRCh38, chr21:43,065,202, plus strand): 5'-AGATGTGTACACTCCCAGGCAGCCAGGGATAAATGCAATCAAGATGGACAGAGGGACGCA[C>T]CATCACACTGCTGCAGGATCTCATCAGCGGTGGTGTCGTAGTGAGCCAGGGGGTTGCTGG-3'

ClinVar aggregate classification (germline): Pathogenic (1 of 4 stars; one submission).

Conditions:
HYPERHOMOCYSTEINEMIA, THROMBOTIC, CBS-RELATED. Identifiers: MedGen C3150344, OMIM 236200.

Allele frequency attached by ClinVar (database versions not stated): gnomAD exomes 0.00001.

Submission:

Labcorp Genetics (formerly Invitae), Labcorp
Classification: Pathogenic for HYPERHOMOCYSTEINEMIA, THROMBOTIC, CBS-RELATED. Last evaluated: 2022-10-28. Review status: criteria provided, single submitter. Criteria: Invitae Variant Classification Sherloc (09022015). Collection method: clinical testing. Allele origin: germline.
Comment: For these reasons, this variant has been classified as Pathogenic. Algorithms developed to predict the effect of sequence changes on RNA splicing suggest that this variant may disrupt the consensus splice site. ClinVar contains an entry for this variant (Variation ID: 1482701). Disruption of this splice site has been observed in individual(s) with homocystinuria (PMID: 33057012). This variant is present in population databases (no rsID available, gnomAD 0.006%). This sequence change affects a donor splice site in intron 8 of the CBS gene. It is expected to disrupt RNA splicing. Variants that disrupt the donor or acceptor splice site typically lead to a loss of protein function (PMID: 16199547), and loss-of-function variants in CBS are known to be pathogenic (PMID: 10338090, 12124992).

Literature cited by the submitters: PubMed 33057012; PubMed 16199547; PubMed 10338090; PubMed 12124992.